The following is an entry in ClinVar:

NM_001985.3(ETFB):c.353A>G (p.Asp118Gly)

Gene: ETFB (electron transfer flavoprotein subunit beta; minus strand). Cytogenetic location: 19q13.41.
Variant type: single nucleotide variant.
Coding change: c.353A>G on transcript NM_001985.3 (MANE Select); coding-DNA position 353, A replaced by G.
Protein change: p.Asp118Gly; replaces aspartic acid 118 with glycine.
Molecular consequence: missense variant.
Genome position (GRCh38, 1-based): chr19:51,353,154, T>C on the plus strand (A>G on the coding strand, the complement: ETFB is on the minus strand). VCF-style: chr19-51353154-T-C. GRCh37 (hg19) VCF-style: chr19-51856408-T-C.
Other names: c.626A>G, p.Asp209Gly (NM_001014763.1); c.353A>G (NM_001985.2); short protein forms D209G, D118G.
Identifiers: ClinVar variation 2163140 (VCV002163140.4), dbSNP rs754994553, ClinGen allele CA9610793.

ClinVar aggregate classification (germline): Uncertain significance. Review status: criteria provided, multiple submitters, no conflicts (2 of 4 stars). 3 submissions from 3 submitters: Uncertain significance (3). Last evaluated 2025-06-13.

Conditions:
Inborn genetic diseases. Identifiers: MedGen C0950123, MeSH D030342.
Multiple acyl-CoA dehydrogenase deficiency (MADD). Also called: Glutaric Acidemia type 2; ETHYLMALONIC-ADIPICACIDURIA; GA II; Glutaric aciduria, type 2; Glutaric acidemia type II; GA 2. Identifiers: Orphanet 26791, MedGen C0268596, MONDO:0009282, OMIM 231680.

Allele frequency attached by ClinVar (database versions not stated): TOPMed 0.00002; gnomAD 0.00003; gnomAD exomes 0.00003; ExAC 0.00004.
gnomAD v4.1: 56 of 1,613,990 alleles (0.0035%); highest among the groups gnomAD compares: Non-Finnish European, 0.0044%; no homozygotes.

Submissions (5):

GeneDx
Classification: Uncertain significance. Last evaluated: 2025-06-13. Review status: criteria provided, single submitter. Criteria: GeneDx Variant Classification Process June 2021. Collection method: clinical testing. Allele origin: germline. Affected: yes.
Comment: Not observed at significant frequency in large population cohorts (gnomAD); In silico analysis supports that this missense variant has a deleterious effect on protein structure/function; In silico analysis supports a deleterious effect on splicing; Has not been previously published as pathogenic or benign to our knowledge

Labcorp Genetics (formerly Invitae), Labcorp
Classification: Uncertain significance for Multiple acyl-CoA dehydrogenase deficiency. Last evaluated: 2022-03-27. Review status: criteria provided, single submitter. Criteria: Invitae Variant Classification Sherloc (09022015). Collection method: clinical testing. Allele origin: germline.
Comment: This sequence change replaces aspartic acid, which is acidic and polar, with glycine, which is neutral and non-polar, at codon 118 of the ETFB protein (p.Asp118Gly). This variant is present in population databases (rs754994553, gnomAD 0.006%). This variant has not been reported in the literature in individuals affected with ETFB-related conditions. Algorithms developed to predict the effect of missense changes on protein structure and function output the following: SIFT: "Tolerated"; PolyPhen-2: "Benign"; Align-GVGD: "Class C0". The glycine amino acid residue is found in multiple mammalian species, which suggests that this missense change does not adversely affect protein function. Algorithms developed to predict the effect of sequence changes on RNA splicing suggest that this variant may create or strengthen a splice site. In summary, the available evidence is currently insufficient to determine the role of this variant in disease. Therefore, it has been classified as a Variant of Uncertain Significance.

Ambry Genetics
Classification: Uncertain significance for Inborn genetic diseases. Last evaluated: 2021-06-29. Review status: criteria provided, single submitter. Criteria: Ambry Variant Classification Scheme 2023. Collection method: clinical testing. Allele origin: germline.

Dr. Peter K. Rogan Lab, Western University
No classification provided (evidence only). Condition: Clear cell carcinoma of kidney. Review status: no classification provided. Collection method: in vitro. Allele origin: not applicable. Functional consequence: cryptic splice site, skipped exon. Not counted in ClinVar's aggregate classification.

Dr. Peter K. Rogan Lab, Western University
No classification provided (evidence only). Condition: Ovarian serous cystadenocarcinoma. Review status: no classification provided. Collection method: in vitro. Allele origin: not applicable. Functional consequence: retained intron. Not counted in ClinVar's aggregate classification.